The following is an entry in ClinVar:

ClinVar aggregate classification (germline): Uncertain significance (1 of 4 stars; one submission).

Allele frequency attached by ClinVar (database versions not stated): gnomAD exomes 0.00001 and 0.00002; ExAC 0.00002; gnomAD 0.00003; TOPMed 0.00005; ESP Exome Variant Server 0.00015.
gnomAD v4.1: 20 of 1,606,226 alleles (0.0012%); highest among the groups gnomAD compares: African/African-American, 0.02%; no homozygotes.

Submission:

Labcorp Genetics (formerly Invitae), Labcorp
Classification: Uncertain significance. Last evaluated: 2023-05-22. Review status: criteria provided, single submitter. Criteria: Invitae Variant Classification Sherloc (09022015). Collection method: clinical testing. Allele origin: germline.
Comment: This sequence change replaces threonine, which is neutral and polar, with isoleucine, which is neutral and non-polar, at codon 331 of the CD55 protein (p.Thr331Ile). This variant is present in population databases (rs143471404, gnomAD 0.02%). This variant has not been reported in the literature in individuals affected with CD55-related conditions. ClinVar contains an entry for this variant (Variation ID: 1408183). Advanced modeling of protein sequence and biophysical properties (such as structural, functional, and spatial information, amino acid conservation, physicochemical variation, residue mobility, and thermodynamic stability) performed at Invitae indicates that this missense variant is not expected to disrupt CD55 protein function. In summary, the available evidence is currently insufficient to determine the role of this variant in disease. Therefore, it has been classified as a Variant of Uncertain Significance.

NM_000574.5(CD55):c.992C>T (p.Thr331Ile)

Gene: CD55 (CD55 molecule (Cromer blood group); plus strand). Cytogenetic location: 1q32.2.
Variant type: single nucleotide variant.
Coding change: c.992C>T on transcript NM_000574.5 (MANE Select); coding-DNA position 992, C replaced by T.
Protein change: p.Thr331Ile; replaces threonine 331 with isoleucine.
Molecular consequence: missense variant. On other transcripts: non-coding transcript variant (1).
Genome position (GRCh38, 1-based): chr1:207,337,341, C>T. VCF-style: chr1-207337341-C-T. GRCh37 (hg19) VCF-style: chr1-207510686-C-T.
Other names: c.992C>T, p.Thr331Ile (NM_001114752.3, NM_001300902.2, NM_001300903.2 and 1 more transcripts); short protein forms T331I.
Identifiers: ClinVar variation 1408183 (VCV001408183.6), dbSNP rs143471404, ClinGen allele CA1368164.
Genomic context (GRCh38, chr1:207,337,341, plus strand): 5'-CTAATGGTCTCAAGAGTACACAAAGATTCCCTTCTGCTCATATTACAGCAACACGGAGTA[C>T]ACCTGTTTCCAGGACAACCAAGCATTTTCATGAAACAACCCCAAATAAAGGAAGTGGAAC-3'
Protein context (NP_000565.1, residues 321-341): TTPNAQATRS[Thr331Ile]PVSRTTKHFH